The following is an entry in ClinVar:

NM_015295.3(SMCHD1):c.4424A>G (p.Asn1475Ser)

Gene: SMCHD1 (structural maintenance of chromosomes flexible hinge domain containing 1; plus strand). Cytogenetic location: 18p11.32.
Variant type: single nucleotide variant.
Coding change: c.4424A>G on transcript NM_015295.3 (MANE Select); coding-DNA position 4424, A replaced by G.
Protein change: p.Asn1475Ser; replaces asparagine 1475 with serine.
Molecular consequence: missense variant.
Genome position (GRCh38, 1-based): chr18:2,760,729, A>G. VCF-style: chr18-2760729-A-G. GRCh37 (hg19) VCF-style: chr18-2760727-A-G.
Other names: short protein forms N1475S.
Identifiers: ClinVar variation 3664291 (VCV003664291.2).

ClinVar aggregate classification (germline): Uncertain significance (1 of 4 stars; one submission).

Conditions:
Facioscapulohumeral muscular dystrophy 2 (FSHD2). Also called: MUSCULAR DYSTROPHY, FACIOSCAPULOHUMERAL, TYPE 1B; FACIOSCAPULOHUMERAL MUSCULAR DYSTROPHY 2, DIGENIC; FSHD2, DIGENIC. Identifiers: Orphanet 269, MedGen C1834671, MONDO:0008031, OMIM 158901.

gnomAD v4.1: 2 of 1,598,636 alleles (0.00013%); highest among the groups gnomAD compares: Admixed American, 0.0017%; no homozygotes.

Submission:

Labcorp Genetics (formerly Invitae), Labcorp
Classification: Uncertain significance for Facioscapulohumeral muscular dystrophy 2. Last evaluated: 2024-09-02. Review status: criteria provided, single submitter. Criteria: Invitae Variant Classification Sherloc (09022015). Collection method: clinical testing. Allele origin: germline.
Comment: This sequence change replaces asparagine, which is neutral and polar, with serine, which is neutral and polar, at codon 1475 of the SMCHD1 protein (p.Asn1475Ser). This variant is present in population databases (rs763575064, gnomAD 0.003%). This variant has not been reported in the literature in individuals affected with SMCHD1-related conditions. Invitae Evidence Modeling of protein sequence and biophysical properties (such as structural, functional, and spatial information, amino acid conservation, physicochemical variation, residue mobility, and thermodynamic stability) indicates that this missense variant is not expected to disrupt SMCHD1 protein function with a negative predictive value of 80%. In summary, the available evidence is currently insufficient to determine the role of this variant in disease. Therefore, it has been classified as a Variant of Uncertain Significance.